The following is an entry in ClinVar:

ClinVar aggregate classification (germline): Uncertain significance. Review status: criteria provided, multiple submitters, no conflicts (2 of 4 stars). 2 submissions from 2 submitters: Uncertain significance (2). Last evaluated 2025-03-22.

Conditions:
Cardiovascular phenotype. Identifiers: MedGen CN230736.
Progressive familial heart block type IB (PFHB1B). Identifiers: Orphanet 871, MedGen C1970298, MONDO:0011474, OMIM 604559.

Allele frequency attached by ClinVar (database versions not stated): TOPMed below 0.00001; gnomAD 0.00001.
gnomAD v4.1: 1 of 1,613,948 alleles (0.000062%); highest among the groups gnomAD compares: African/African-American, 0.0013%; no homozygotes.

Submissions (2):

Labcorp Genetics (formerly Invitae), Labcorp
Classification: Uncertain significance for Progressive familial heart block type IB. Last evaluated: 2025-03-22. Review status: criteria provided, single submitter. Criteria: Invitae Variant Classification Sherloc (09022015). Collection method: clinical testing. Allele origin: germline.
Comment: This sequence change replaces arginine, which is basic and polar, with lysine, which is basic and polar, at codon 953 of the TRPM4 protein (p.Arg953Lys). This variant is not present in population databases (gnomAD no frequency). This variant has not been reported in the literature in individuals affected with TRPM4-related conditions. ClinVar contains an entry for this variant (Variation ID: 951734). An algorithm developed to predict the effect of missense changes on protein structure and function (PolyPhen-2) suggests that this variant is likely to be disruptive. In summary, the available evidence is currently insufficient to determine the role of this variant in disease. Therefore, it has been classified as a Variant of Uncertain Significance.

Ambry Genetics
Classification: Uncertain significance for Cardiovascular phenotype. Last evaluated: 2024-12-23. Review status: criteria provided, single submitter. Criteria: Ambry Variant Classification Scheme 2023. Collection method: clinical testing. Allele origin: germline.

NM_017636.4(TRPM4):c.2858G>A (p.Arg953Lys)

Gene: TRPM4 (transient receptor potential cation channel subfamily M member 4; plus strand). Cytogenetic location: 19q13.33.
Variant type: single nucleotide variant.
Coding change: c.2858G>A on transcript NM_017636.4 (MANE Select); coding-DNA position 2858, G replaced by A.
Protein change: p.Arg953Lys; replaces arginine 953 with lysine.
Molecular consequence: missense variant.
Genome position (GRCh38, 1-based): chr19:49,200,690, G>A. VCF-style: chr19-49200690-G-A. GRCh37 (hg19) VCF-style: chr19-49703947-G-A.
Other names: c.2423G>A, p.Arg808Lys (NM_001195227.2); c.2513G>A, p.Arg838Lys (NM_001321281.2); c.1250G>A, p.Arg417Lys (NM_001321282.2); c.2336G>A, p.Arg779Lys (NM_001321283.2); c.1796G>A, p.Arg599Lys (NM_001321285.2); short protein forms R808K, R953K, R599K, R417K, R779K, R838K.
Identifiers: ClinVar variation 951734 (VCV000951734.8), dbSNP rs1968893200, ClinGen allele CA406811898.